The following is an entry in ClinVar:

ClinVar aggregate classification (germline): Likely benign (1 of 4 stars; one submission).

gnomAD v4.1: 9 of 1,606,212 alleles (0.00056%); highest among the groups gnomAD compares: Non-Finnish European, 0.00077%; no homozygotes.

Submission:

CeGaT Center for Human Genetics Tuebingen
Classification: Likely benign. Last evaluated: 2026-06-01. Review status: criteria provided, single submitter. Criteria: CeGaT Center For Human Genetics Tuebingen Variant Classification Criteria Version 2. Collection method: clinical testing. Allele origin: germline. Affected: yes. Observed: 1 variant allele.
Comment: SLC33A1: BP4, BP7

NM_004733.4(SLC33A1):c.1515A>G (p.Thr505=)

Gene: SLC33A1 (solute carrier family 33 member 1; minus strand). Cytogenetic location: 3q25.31.
Variant type: single nucleotide variant.
Coding change: c.1515A>G on transcript NM_004733.4 (MANE Select); coding-DNA position 1515, A replaced by G.
Protein change: p.Thr505=; no amino-acid change (threonine 505 retained).
Molecular consequence: synonymous variant.
Genome position (GRCh38, 1-based): chr3:155,828,345, T>C on the plus strand (A>G on the coding strand, the complement: SLC33A1 is on the minus strand). VCF-style: chr3-155828345-T-C. GRCh37 (hg19) VCF-style: chr3-155546134-T-C.
Other names: c.1515A>G, p.Thr505= (NM_001190992.2); c.1209A>G, p.Thr403= (NM_001363883.1).
Identifiers: ClinVar variation 4874014 (VCV004874014.2).
Genomic context (GRCh38, chr3:155,828,345, plus strand): 5'-CCACCAACCAAATCCAATGAAAACACAAATAATGGACTCCACATAATAACCATCCAGGGC[T>C]GTAACACATGAGCCACCCAGTTTTTTGCAAAGCTGTAAAAATAAAACTATAATAAATACT-3'
Protein context (NP_004724.1, residues 495-515): LCKKLGGSCV[Thr505=]ALDGYYVESI